The following is an entry in ClinVar:

ClinVar aggregate classification (germline): Pathogenic (1 of 4 stars; one submission).

Conditions:
Progressive microcephaly-seizures-cortical blindness-developmental delay syndrome. Also called: Seizures, cortical blindness, and microcephaly syndrome. Identifiers: Orphanet 477814, MedGen C5567650, MONDO:0014714, OMIM 616632.
Autosomal dominant nonsyndromic hearing loss 1. Also called: DEAFNESS, AUTOSOMAL DOMINANT 1, WITH OR WITHOUT THROMBOCYTOPENIA; KONIGSMARK SYNDROME. Identifiers: Orphanet 90635, MedGen C1852282, MONDO:0007424, OMIM 124900.

Allele frequency attached by ClinVar (database versions not stated): gnomAD exomes below 0.00001; gnomAD 0.00001.
gnomAD v4.1: 2 of 1,614,020 alleles (0.00012%); highest among the groups gnomAD compares: African/African-American, 0.0013%; no homozygotes.

Submission:

Labcorp Genetics (formerly Invitae), Labcorp
Classification: Pathogenic for Progressive microcephaly-seizures-cortical blindness-developmental delay syndrome; Autosomal dominant nonsyndromic hearing loss 1. Last evaluated: 2023-10-20. Review status: criteria provided, single submitter. Criteria: Invitae Variant Classification Sherloc (09022015). Collection method: clinical testing. Allele origin: germline.
Comment: This sequence change creates a premature translational stop signal (p.Arg1008*) in the DIAPH1 gene. It is expected to result in an absent or disrupted protein product. Loss-of-function variants in DIAPH1 are known to be pathogenic (PMID: 24781755, 26463574). This variant is present in population databases (no rsID available, gnomAD 0.01%). This variant has not been reported in the literature in individuals affected with DIAPH1-related conditions. ClinVar contains an entry for this variant (Variation ID: 1076722). For these reasons, this variant has been classified as Pathogenic.

Literature cited by the submitters: PubMed 24781755; PubMed 26463574.

NM_005219.5(DIAPH1):c.3022C>T (p.Arg1008Ter)

Gene: DIAPH1 (diaphanous related formin 1; minus strand). Cytogenetic location: 5q31.3.
Variant type: single nucleotide variant.
Coding change: c.3022C>T on transcript NM_005219.5 (MANE Select); coding-DNA position 3022, C replaced by T.
Protein change: p.Arg1008Ter; replaces arginine 1008 with a stop codon.
Molecular consequence: nonsense.
Genome position (GRCh38, 1-based): chr5:141,528,579, G>A on the plus strand (C>T on the coding strand, the complement: DIAPH1 is on the minus strand). VCF-style: chr5-141528579-G-A. GRCh37 (hg19) VCF-style: chr5-140908146-G-A.
Other names: c.2995C>T, p.Arg999Ter (NM_001079812.3); c.3022C>T, p.Arg1008Ter (NM_001314007.2); short protein forms R1008*, R999*.
Identifiers: ClinVar variation 1076722 (VCV001076722.7), dbSNP rs1461242879, ClinGen allele CA361583595.
Genomic context (GRCh38, chr5:141,528,579, plus strand): 5'-CACACAACTCAGCCAAGAAGTGTAACAACGTCATCTTCTGATCTGTGGACTTGGTGTCTC[G>A]AAGCTTAGAGAAAGAGGAGAAACTGTTAAATCCTGACATGTCCAAGATGGCCTCCTGCCA-3'